The following is an entry in ClinVar:

ClinVar aggregate classification (germline): Uncertain significance (1 of 4 stars; one submission).

Submission:

Labcorp Genetics (formerly Invitae), Labcorp
Classification: Uncertain significance. Last evaluated: 2024-10-15. Review status: criteria provided, single submitter. Criteria: Invitae Variant Classification Sherloc (09022015). Collection method: clinical testing. Allele origin: germline.
Comment: This sequence change replaces glutamine, which is neutral and polar, with proline, which is neutral and non-polar, at codon 679 of the ERCC6 protein (p.Gln679Pro). This variant is not present in population databases (gnomAD no frequency). This variant has not been reported in the literature in individuals affected with ERCC6-related conditions. ClinVar contains an entry for this variant (Variation ID: 1908679). Invitae Evidence Modeling of protein sequence and biophysical properties (such as structural, functional, and spatial information, amino acid conservation, physicochemical variation, residue mobility, and thermodynamic stability) indicates that this missense variant is not expected to disrupt ERCC6 protein function with a negative predictive value of 80%. In summary, the available evidence is currently insufficient to determine the role of this variant in disease. Therefore, it has been classified as a Variant of Uncertain Significance.

NM_000124.4(ERCC6):c.2036A>C (p.Gln679Pro)

Gene: ERCC6 (ERCC excision repair 6, chromatin remodeling factor; minus strand). Cytogenetic location: 10q11.23.
Variant type: single nucleotide variant.
Coding change: c.2036A>C on transcript NM_000124.4 (MANE Select); coding-DNA position 2036, A replaced by C.
Protein change: p.Gln679Pro; replaces glutamine 679 with proline.
Molecular consequence: missense variant.
Genome position (GRCh38, 1-based): chr10:49,482,820, T>G on the plus strand (A>C on the coding strand, the complement: ERCC6 is on the minus strand). VCF-style: chr10-49482820-T-G. GRCh37 (hg19) VCF-style: chr10-50690866-T-G.
Other names: c.2036A>C, p.Gln679Pro (NM_001346440.2); short protein forms Q679P.
Identifiers: ClinVar variation 1908679 (VCV001908679.5), dbSNP rs2496007400, ClinGen allele CA376724411.